The following is an entry in ClinVar:

ClinVar aggregate classification (germline): Pathogenic. Review status: criteria provided, multiple submitters, no conflicts (2 of 4 stars). 5 submissions from 5 submitters: Pathogenic (5). Last evaluated 2026-03-28.

Conditions:
EDA-related disorder. Also called: EDA-related condition; EDA-related disorders.
Tooth agenesis, selective, X-linked, 1 (STHAGX1). Also called: HYPODONTIA/OLIGODONTIA, X-LINKED, 1. Identifiers: Orphanet 99798, MedGen C1970757, MONDO:0010741, OMIM 313500. Disease mechanism: loss of function.
Hypohidrotic X-linked ectodermal dysplasia (XHED). Also called: ECTODERMAL DYSPLASIA, HYPOHIDROTIC, 1; CST SYNDROME; Ectodermal Dysplasia 1, Anhidrotic; ECTODERMAL DYSPLASIA 1, HYPOHIDROTIC/HAIR/TOOTH TYPE, X-LINKED; Christ-Siemans-Touraine syndrome; ECTODERMAL DYSPLASIA 1. Identifiers: Orphanet 181, Orphanet 238468, MedGen C0162359, MONDO:0010585, OMIM 305100.

Submissions (5):

GeneDx
Classification: Pathogenic. Last evaluated: 2026-03-28. Review status: criteria provided, single submitter. Criteria: GeneDx Variant Classification Process June 2021. Collection method: clinical testing. Allele origin: germline.
Comment: Frameshift variant predicted to result in protein truncation or nonsense mediated decay in a gene for which loss of function is a known mechanism of disease; Not observed at significant frequency in large population cohorts (gnomAD); This variant is associated with the following publications: (PMID: 8696334, 27305980, 30417976, 39244550, 24312213, 36071541)

Blueprint Genetics
Classification: Pathogenic for EDA-related disorders. Last evaluated: 2022-09-26. Review status: criteria provided, single submitter. Criteria: ACMG Guidelines, 2015. Collection method: clinical testing. Allele origin: germline. Affected: yes. Observed: 1 variant allele.

Genetics and Molecular Pathology, SA Pathology
Classification: Pathogenic for Tooth agenesis, selective, X-linked, 1. Last evaluated: 2022-05-17. Review status: criteria provided, single submitter. Criteria: ACMG Guidelines, 2015. Collection method: clinical testing. Allele origin: germline. Affected: yes.

Labcorp Genetics (formerly Invitae), Labcorp
Classification: Pathogenic for Hypohidrotic X-linked ectodermal dysplasia. Last evaluated: 2018-12-28. Review status: criteria provided, single submitter. Criteria: Invitae Variant Classification Sherloc (09022015). Collection method: clinical testing. Allele origin: germline.
Comment: This sequence change creates a premature translational stop signal (p.Gly85Alafs*6) in the EDA gene. It is expected to result in an absent or disrupted protein product. This variant is not present in population databases (ExAC no frequency). This variant has been observed in several individuals affected with hypohidrotic ectodermal dysplasia (HED) (PMID: 8696334, 27305980, Invitae) as well as in an individual with syndromic tooth agenesis including anhidrosis (PMID: 24312213). In addition, this variant was observed to segregate with HED in a family (PMID: 8696334). This variant is also known as c.494delT in the literature. Loss-of-function variants in EDA are known to be pathogenic (PMID: 9683615). For these reasons, this variant has been classified as Pathogenic.

ARUP Laboratories, Molecular Genetics and Genomics, ARUP Laboratories
Classification: Pathogenic. Last evaluated: 2018-06-07. Review status: criteria provided, single submitter. Criteria: ARUP Molecular Germline Variant Investigation Process. Collection method: clinical testing. Allele origin: germline.
Comment: The EDA c.252delT; p.Gly85fs variant, also known as 494delT, is reported in the medical literature in individuals with X-linked anhidrotic ectodermal dysplasia (He 2013, Kere 1996). This variant is absent from general population databases (1000 Genomes Project, Exome Variant Server, and Genome Aggregation Database), indicating it is not a common polymorphism. This variant causes a frameshift by deleting a single nucleotide, so it is predicted to result in a truncated protein or mRNA subject to nonsense-mediated decay. Based on available information, this variant is considered to be pathogenic. References: He H et al. Involvement of and interaction between WNT10A and EDA mutations in tooth agenesis cases in the Chinese population. PLoS One. 2013 Nov 27;8(11):e80393. Kere J et al. X-linked anhidrotic (hypohidrotic) ectodermal dysplasia is caused by mutation in a novel transmembrane protein. Nat Genet. 1996 Aug;13(4):409-16.

Literature cited by the submitters: PubMed 8696334 (cited by Labcorp Genetics (formerly Invitae), Labcorp); PubMed 27305980 (cited by Labcorp Genetics (formerly Invitae), Labcorp); PubMed 24312213 (cited by Labcorp Genetics (formerly Invitae), Labcorp); PubMed 9683615 (cited by Labcorp Genetics (formerly Invitae), Labcorp).

NM_001399.5(EDA):c.252del (p.Gly85fs)

Gene: EDA (ectodysplasin A; plus strand). Cytogenetic location: Xq13.1.
Variant type: Deletion.
Coding change: c.252del on transcript NM_001399.5 (MANE Select); coding-DNA position 252, one base deleted (T; older notation c.252delT).
Protein change: p.Gly85fs; shifts the reading frame from glycine 85.
Molecular consequence: frameshift variant.
Genome position (GRCh38, 1-based): chrX:69,616,560, T deleted. VCF-style (leftmost placement, unchanged base first): chrX-69616559-CT-C. GRCh37 (hg19) VCF-style: chrX-68836403-CT-C.
Other names: c.252del, p.Gly85fs (NM_001005609.2, NM_001005610.4, NM_001005612.3 and 1 more transcripts); c.252delT (NM_001399.5); short protein forms G85fs.
Identifiers: ClinVar variation 618616 (VCV000618616.20), dbSNP rs1569272328, ClinGen allele CA913190383.
Genomic context (GRCh38, chrX:69,616,559, plus strand): 5'-TGCGCTCGGAGTTGCGGCGGGAACGTGGAGCCGAGTCCCGCCTTGGCGGCTCGGGCACCC[CT>C]GGCACCTCTGGCACCCTAAGCAGCCTCGGTGGCCTCGACCCTGACAGCCCCATCACCAGT-3'